The following is an entry in ClinVar:

NM_003619.4(PRSS12):c.1278A>G (p.Arg426=)

Gene: PRSS12 (serine protease 12; minus strand). Cytogenetic location: 4q26.
Variant type: single nucleotide variant.
Coding change: c.1278A>G on transcript NM_003619.4 (MANE Select); coding-DNA position 1278, A replaced by G.
Protein change: p.Arg426=; no amino-acid change (arginine 426 retained).
Molecular consequence: synonymous variant.
Genome position (GRCh38, 1-based): chr4:118,316,196, T>C on the plus strand (A>G on the coding strand, the complement: PRSS12 is on the minus strand). VCF-style: chr4-118316196-T-C. GRCh37 (hg19) VCF-style: chr4-119237351-T-C.
Identifiers: ClinVar variation 3035667 (VCV003035667.2), dbSNP rs773851843, ClinGen allele CA3055686.

ClinVar aggregate classification (germline): Likely benign (0 of 4 stars; one submission).

Conditions:
PRSS12-related disorder. Also called: PRSS12-related condition.

Allele frequency attached by ClinVar (database versions not stated): TOPMed below 0.00001; gnomAD 0.00001; gnomAD exomes 0.00001; ExAC 0.00010.
gnomAD v4.1: 24 of 1,613,930 alleles (0.0015%); highest among the groups gnomAD compares: Non-Finnish European, 0.0014%; no homozygotes.

Submission:

PreventionGenetics, part of Exact Sciences
Classification: Likely benign for PRSS12-related condition. Last evaluated: 2019-07-31. Review status: no assertion criteria provided. Collection method: clinical testing. Allele origin: germline.
Comment: This variant is classified as likely benign based on ACMG/AMP sequence variant interpretation guidelines (Richards et al. 2015 PMID: 25741868, with internal and published modifications).